The following is an entry in ClinVar:

NM_001395159.1(UNC79):c.6592G>A (p.Ala2198Thr)

Gene: UNC79 (unc-79 subunit of NALCN channel complex; plus strand). Cytogenetic location: 14q32.12.
Variant type: single nucleotide variant.
Coding change: c.6592G>A on transcript NM_001395159.1 (MANE Select); coding-DNA position 6592, G replaced by A.
Protein change: p.Ala2198Thr; replaces alanine 2198 with threonine.
Molecular consequence: missense variant.
Genome position (GRCh38, 1-based): chr14:93,654,002, G>A. VCF-style: chr14-93654002-G-A. GRCh37 (hg19) VCF-style: chr14-94120348-G-A.
Other names: c.6526G>A, p.Ala2176Thr (NM_001346218.2); c.5845G>A, p.Ala1949Thr (NM_020818.5); short protein forms A1949T, A2176T, A2198T.
Identifiers: ClinVar variation 4996984 (VCV004996984.1).

ClinVar aggregate classification (germline): Likely benign (1 of 4 stars; one submission).

Conditions:
UNC79-related disorder. Also called: UNC79-related condition.

gnomAD v4.1: 286 of 1,614,002 alleles (0.018%); highest among the groups gnomAD compares: African/African-American, 0.33%; 1 homozygote.

Submission:

PreventionGenetics, part of Exact Sciences
Classification: Likely benign for UNC79-related condition. Last evaluated: 2026-01-29. Review status: criteria provided, single submitter. Criteria: ACMG Guidelines, 2015. Collection method: clinical testing. Allele origin: germline.
Comment: This variant is classified as likely benign based on ACMG/AMP sequence variant interpretation guidelines (Richards et al. 2015 PMID: 25741868, with internal and published modifications).